The following is an entry in ClinVar:

NM_002528.7(NTHL1):c.239del (p.Glu80fs)

Gene: NTHL1 (nth like DNA glycosylase 1; minus strand). Cytogenetic location: 16p13.3.
Variant type: Deletion.
Coding change: c.239del on transcript NM_002528.7 (MANE Select); coding-DNA position 239, one base deleted (A; older notation c.239delA).
Protein change: p.Glu80fs; shifts the reading frame from glutamic acid 80.
Molecular consequence: frameshift variant. On other transcripts: intron variant (1).
Genome position (GRCh38, 1-based): chr16:2,046,243, T deleted on the plus strand (A on the coding strand, the reverse complement: NTHL1 is on the minus strand). VCF-style (leftmost placement, unchanged base first): chr16-2046242-CT-C. GRCh37 (hg19) VCF-style: chr16-2096243-CT-C.
Other names: c.239del, p.Glu80fs (NM_001318193.2); c.24+37del (NM_001318194.2); short protein forms E80fs.
Identifiers: ClinVar variation 1692691 (VCV001692691.1), dbSNP rs2150946310, ClinGen allele CA2573151822.

ClinVar aggregate classification (germline): Likely pathogenic (1 of 4 stars; one submission).

Conditions:
Hereditary cancer-predisposing syndrome. Also called: Hereditary Cancer Syndrome; Hereditary neoplastic syndrome; Neoplastic Syndromes, Hereditary; Tumor predisposition. Identifiers: Orphanet 140162, MedGen C0027672, MeSH D009386, MONDO:0015356.

Submission:

Sema4
Classification: Likely pathogenic for Hereditary cancer-predisposing syndrome. Last evaluated: 2022-02-25. Review status: criteria provided, single submitter. Criteria: Sema4 Curation Guidelines. Collection method: curation. Allele origin: germline.
Comment: To the best of our knowledge, the NTHL1 c.263delA (p.E88GfsX15) variant has not been reported in individuals with NTHL1-related disease. This variant causes a frameshift at amino acid 88 that results in premature termination 15 amino acids downstream. At this location, this is predicted to cause either a disrupted protein or nonsense-mediated decay resulting in an absent protein (loss of function). Loss-of-function variants in NTHL1 are known to be pathogenic (PMID: 25938944). This variant is not reported in the population database Genome Aggregation Database (PMID: 27535533). The variant has not been reported in ClinVar. Based on the current evidence available, this variant is interpreted as likely pathogenic.

Literature cited by the submitters: PubMed 25938944.